The following is an entry in ClinVar:

ClinVar aggregate classification (germline): Likely benign. Review status: criteria provided, multiple submitters, no conflicts (2 of 4 stars). 2 submissions from 2 submitters: Likely benign (2). Last evaluated 2025-11-24.

Allele frequency attached by ClinVar (database versions not stated): TOPMed 0.00002.
gnomAD v4.1: 5 of 1,613,742 alleles (0.00031%); highest among the groups gnomAD compares: Admixed American, 0.0017%; no homozygotes.

Submissions (2):

Labcorp Genetics (formerly Invitae), Labcorp
Classification: Likely benign. Last evaluated: 2025-11-24. Review status: criteria provided, single submitter. Criteria: Invitae Variant Classification Sherloc (09022015). Collection method: clinical testing. Allele origin: germline.

Women's Health and Genetics/Laboratory Corporation of America, LabCorp
Classification: Likely benign. Last evaluated: 2024-06-10. Review status: criteria provided, single submitter. Criteria: LabCorp Variant Classification Summary - May 2015. Collection method: clinical testing. Allele origin: germline.
Comment: Variant summary: SMAD2 c.1044G>A alters a conserved nucleotide resulting in a synonymous change. Consensus agreement among computation tools predict no significant impact on normal splicing. However, these predictions have yet to be confirmed by functional studies. The variant allele was found at a frequency of 8e-06 in 251342 control chromosomes. The available data on variant occurrences in the general population are insufficient to allow any conclusion about variant significance. To our knowledge, no occurrence of c.1044G>A in individuals affected with Loeys-Dietz Syndrome and no experimental evidence demonstrating its impact on protein function have been reported. ClinVar contains an entry for this variant (Variation ID: 2995224). Based on the evidence outlined above, the variant was classified as likely benign.

NM_005901.6(SMAD2):c.1044G>A (p.Glu348=)

Gene: SMAD2 (SMAD family member 2; minus strand). Cytogenetic location: 18q21.1.
Variant type: single nucleotide variant.
Coding change: c.1044G>A on transcript NM_005901.6 (MANE Select); coding-DNA position 1044, G replaced by A.
Protein change: p.Glu348=; no amino-acid change (glutamic acid 348 retained).
Molecular consequence: synonymous variant.
Genome position (GRCh38, 1-based): chr18:47,845,754, C>T on the plus strand (G>A on the coding strand, the complement: SMAD2 is on the minus strand). VCF-style: chr18-47845754-C-T. GRCh37 (hg19) VCF-style: chr18-45372125-C-T.
Other names: c.1044G>A, p.Glu348= (NM_001003652.4); c.954G>A, p.Glu318= (NM_001135937.3).
Identifiers: ClinVar variation 2995224 (VCV002995224.4), dbSNP rs1172069429, ClinGen allele CA503924719.
Genomic context (GRCh38, chr18:47,845,754, plus strand): 5'-CCAGCCATATCTCTGATTACAATTGGGGCTCTGCACAAAGATTGCACTATCACTTAGGCA[C>T]TCAGCAAAAACTTCCCCACCTATGTAGTATAAGCGCACTCCTCTTCCTGAAACAAAATAC-3'
Protein context (NP_005892.1, residues 338-358): LYYIGGEVFA[Glu348=]CLSDSAIFVQ